The following is an entry in ClinVar:

ClinVar aggregate classification (germline): Uncertain significance (1 of 4 stars; one submission).

Submission:

Ambry Genetics
Classification: Uncertain significance. Last evaluated: 2026-07-14. Review status: criteria provided, single submitter. Criteria: Ambry Variant Classification Scheme 2023. Collection method: clinical testing. Allele origin: germline.
Comment: The c.3613G>C (p.A1205P) alteration is located in exon 12 (coding exon 11) of the IGFN1 gene. This alteration results from a G to C substitution at nucleotide position 3613, causing the alanine (A) at amino acid position 1205 to be replaced by a proline (P). Based on data from gnomAD, the C allele has an overall frequency of 0.003% (3/101702) total alleles studied. The highest observed frequency was 0.061% (2/3282) of Other alleles. Based on insufficient or conflicting evidence, the clinical significance of this alteration remains unclear.

NM_001164586.2(IGFN1):c.3613G>C (p.Ala1205Pro)

Gene: IGFN1 (immunoglobulin like and fibronectin type III domain containing 1; plus strand). Cytogenetic location: 1q32.1.
Variant type: single nucleotide variant.
Coding change: c.3613G>C on transcript NM_001164586.2 (MANE Select); coding-DNA position 3613, G replaced by C.
Protein change: p.Ala1205Pro; replaces alanine 1205 with proline.
Molecular consequence: missense variant. On other transcripts: intron variant (1).
Genome position (GRCh38, 1-based): chr1:201,208,506, G>C. VCF-style: chr1-201208506-G-C. GRCh37 (hg19) VCF-style: chr1-201177634-G-C.
Other names: c.1241+2372G>C (NM_001367841.1); short protein forms A1205P.
Identifiers: ClinVar variation 5022766 (VCV005022766.1).